The following is an entry in ClinVar:

ClinVar aggregate classification (germline): Uncertain significance. Review status: criteria provided, multiple submitters, no conflicts (2 of 4 stars). 5 submissions from 5 submitters: Uncertain significance (5). Last evaluated 2025-09-26.

Conditions:
Inborn genetic diseases. Identifiers: MedGen C0950123, MeSH D030342.
Autosomal dominant nonsyndromic hearing loss 2A. Also called: DFNA2 Nonsyndromic Hearing Loss; Deafness, autosomal dominant 2A; Autosomal dominant nonsyndromic deafness 2A. Identifiers: Orphanet 90635, MedGen C2677637, MONDO:0010817, OMIM 600101.
KCNQ4-related disorder. Also called: KCNQ4-related condition.

Allele frequency attached by ClinVar (database versions not stated): gnomAD exomes 0.00001 and 0.00008; gnomAD 0.00002; TOPMed 0.00003.
gnomAD v4.1: 117 of 1,604,638 alleles (0.0073%); highest among the groups gnomAD compares: Non-Finnish European, 0.0094%; no homozygotes.

Submissions (5):

PreventionGenetics, part of Exact Sciences
Classification: Uncertain significance for KCNQ4-related condition. Last evaluated: 2025-09-26. Review status: criteria provided, single submitter. Criteria: ACMG Guidelines, 2015. Collection method: clinical testing. Allele origin: germline.
Comment: The KCNQ4 c.686C>T variant is predicted to result in the amino acid substitution p.Ser229Leu. To our knowledge, this variant has not been reported in the literature. This variant is reported in 0.0029% of alleles in individuals of European (Non-Finnish) descent in gnomAD. At this time, the clinical significance of this variant is uncertain due to the absence of conclusive functional and genetic evidence.

Labcorp Genetics (formerly Invitae), Labcorp
Classification: Uncertain significance. Last evaluated: 2024-05-06. Review status: criteria provided, single submitter. Criteria: Invitae Variant Classification Sherloc (09022015). Collection method: clinical testing. Allele origin: germline.
Comment: This sequence change replaces serine, which is neutral and polar, with leucine, which is neutral and non-polar, at codon 229 of the KCNQ4 protein (p.Ser229Leu). The frequency data for this variant in the population databases is considered unreliable, as metrics indicate poor data quality at this position in the gnomAD database. This variant has not been reported in the literature in individuals affected with KCNQ4-related conditions. ClinVar contains an entry for this variant (Variation ID: 1312296). Advanced modeling of protein sequence and biophysical properties (such as structural, functional, and spatial information, amino acid conservation, physicochemical variation, residue mobility, and thermodynamic stability) performed at Invitae indicates that this missense variant is expected to disrupt KCNQ4 protein function with a positive predictive value of 95%. In summary, the available evidence is currently insufficient to determine the role of this variant in disease. Therefore, it has been classified as a Variant of Uncertain Significance.

Genome-Nilou Lab
Classification: Uncertain significance for Autosomal dominant nonsyndromic hearing loss 2A. Last evaluated: 2023-04-11. Review status: criteria provided, single submitter. Criteria: ACMG Guidelines, 2015. Collection method: clinical testing. Allele origin: germline. Affected: no.

Ambry Genetics
Classification: Uncertain significance for Inborn genetic diseases. Last evaluated: 2021-07-20. Review status: criteria provided, single submitter. Criteria: Ambry Variant Classification Scheme 2023. Collection method: clinical testing. Allele origin: germline.

GeneDx
Classification: Uncertain significance. Last evaluated: 2019-09-18. Review status: criteria provided, single submitter. Criteria: GeneDx Variant Classification Process June 2021. Collection method: clinical testing. Allele origin: germline. Affected: yes.
Comment: In silico analysis, which includes protein predictors and evolutionary conservation, supports a deleterious effect; Has not been previously published as pathogenic or benign to our knowledge

NM_004700.4(KCNQ4):c.686C>T (p.Ser229Leu)

Gene: KCNQ4 (potassium voltage-gated channel subfamily Q member 4; plus strand). Cytogenetic location: 1p34.2.
Variant type: single nucleotide variant.
Coding change: c.686C>T on transcript NM_004700.4 (MANE Select); coding-DNA position 686, C replaced by T.
Protein change: p.Ser229Leu; replaces serine 229 with leucine.
Molecular consequence: missense variant.
Genome position (GRCh38, 1-based): chr1:40,818,658, C>T. VCF-style: chr1-40818658-C-T. GRCh37 (hg19) VCF-style: chr1-41284330-C-T.
Other names: c.686C>T, p.Ser229Leu (NM_172163.3); short protein forms S229L.
Identifiers: ClinVar variation 1312296 (VCV001312296.8), dbSNP rs1016512710, ClinGen allele CA21112232.
Genomic context (GRCh38, chr1:40,818,658, plus strand): 5'-TGCAGATCCTGCGCATGGTGCGCATGGACCGCCGCGGCGGCACCTGGAAGCTGCTGGGCT[C>T]AGTGGTCTACGCGCATAGCAAGGTGAGGCCTGCAAGCCGCGCGCGGAGACCCGAGGGCGT-3'
Protein context (NP_004691.2, residues 219-239): RRGGTWKLLG[Ser229Leu]VVYAHSKELI